The following is an entry in ClinVar:

ClinVar aggregate classification (germline): Conflicting classifications of pathogenicity. Review status: criteria provided, conflicting classifications (1 of 4 stars). 7 submissions from 6 submitters: Uncertain significance (5); Benign (1); Likely benign (1). Last evaluated 2025-07-03.

Conditions:
Dyskeratosis congenita, autosomal dominant 3. Identifiers: MedGen C3151445, MONDO:0013522, OMIM 613990.
Revesz syndrome. Also called: EXUDATIVE RETINOPATHY WITH BONE MARROW FAILURE; DYSKERATOSIS CONGENITA, AUTOSOMAL DOMINANT 5. Identifiers: Orphanet 3088, MedGen C1327916, MONDO:0009990, OMIM 268130.
Dyskeratosis congenita. Identifiers: Orphanet 1775, MedGen C0265965, MONDO:0015780.

Allele frequency attached by ClinVar (database versions not stated): ExAC 0.00007; gnomAD 0.00007 and 0.00008; gnomAD exomes 0.00007; ESP Exome Variant Server 0.00008; TOPMed 0.00008.

Submissions (7):

GeneDx
Classification: Uncertain significance. Last evaluated: 2025-07-03. Review status: criteria provided, single submitter. Criteria: GeneDx Variant Classification Process June 2021. Collection method: clinical testing. Allele origin: germline. Affected: yes.
Comment: Observed in individuals with common variable immunodeficiency and early onset inflammatory bowel disease (PMID: 26193622, 37944684); In silico analysis suggests that this missense variant does not alter protein structure/function; This variant is associated with the following publications: (PMID: 37944684, 26193622)

Labcorp Genetics (formerly Invitae), Labcorp
Classification: Uncertain significance for Dyskeratosis congenita. Last evaluated: 2024-09-29. Review status: criteria provided, single submitter. Criteria: Invitae Variant Classification Sherloc (09022015). Collection method: clinical testing. Allele origin: germline.
Comment: This sequence change replaces alanine, which is neutral and non-polar, with valine, which is neutral and non-polar, at codon 436 of the TINF2 protein (p.Ala436Val). This variant is present in population databases (rs369249473, gnomAD 0.02%). This missense change has been observed in individual(s) with very early onset inflammatory bowel disease (PMID: 26193622). ClinVar contains an entry for this variant (Variation ID: 662182). An algorithm developed to predict the effect of missense changes on protein structure and function outputs the following: PolyPhen-2: "Benign". The valine amino acid residue is found in multiple mammalian species, which suggests that this missense change does not adversely affect protein function. In summary, the available evidence is currently insufficient to determine the role of this variant in disease. Therefore, it has been classified as a Variant of Uncertain Significance.

Blueprint Genetics
Classification: Uncertain significance. Last evaluated: 2024-07-25. Review status: criteria provided, single submitter. Criteria: ACMG Guidelines, 2015. Collection method: clinical testing. Allele origin: germline.

Fulgent Genetics
Classification: Uncertain significance for Revesz syndrome; Dyskeratosis congenita, autosomal dominant 3. Last evaluated: 2024-01-18. Review status: criteria provided, single submitter. Criteria: ACMG Guidelines, 2015. Collection method: clinical testing. Allele origin: germline.

Sema4
Classification: Uncertain significance for Dyskeratosis congenita. Last evaluated: 2021-11-06. Review status: criteria provided, single submitter. Criteria: Sema4 Curation Guidelines. Collection method: curation. Allele origin: germline.
Comment: To the best of our knowledge, the TINF2 c.1307C>T (p.A436V) variant has not been reported in individuals with TINF2-related disease. It was observed in 20/128710 chromosomes of the Non-Finnish European (NFE) subpopulation, with no homozygotes, in the large and broad cohorts of the Genome Aggregation Database (PMID: 32461654). The variant has been reported in ClinVar (Variation ID: 662182). Functional studies have not been performed, and in silico predictions of the variant's effect on protein function are inconclusive. Based on the current evidence available, this variant is interpreted as a variant of uncertain significance.

Illumina Laboratory Services, Illumina
Classification: Benign for Revesz syndrome. Last evaluated: 2017-04-28. Review status: criteria provided, single submitter. Criteria: ICSL Variant Classification Criteria 13 December 2019. Collection method: clinical testing. Allele origin: germline.
Comment: This variant was observed as part of a predisposition screen in an ostensibly healthy population. A literature search was performed for the gene, cDNA change, and amino acid change (where applicable). No publications were found based on this search. Allele frequency data from public databases was too high to be consistent with this variant causing disease. Therefore, this variant is classified as benign.

Illumina Laboratory Services, Illumina
Classification: Likely benign for Dyskeratosis congenita, autosomal dominant 3. Last evaluated: 2017-04-28. Review status: criteria provided, single submitter. Criteria: ICSL Variant Classification Criteria 13 December 2019. Collection method: clinical testing. Allele origin: germline.
Comment: This variant was observed as part of a predisposition screen in an ostensibly healthy population. A literature search was performed for the gene, cDNA change, and amino acid change (where applicable). Publications were found based on this search. The evidence from the literature, in combination with allele frequency data from public databases where available, was sufficient to determine this variant is unlikely to cause disease. Therefore, this variant is classified as likely benign.

Literature cited by the submitters: PubMed 26193622 (cited by Labcorp Genetics (formerly Invitae), Labcorp and Illumina Laboratory Services, Illumina).

NM_001099274.3(TINF2):c.1307C>T (p.Ala436Val)

Gene: TINF2 (TERF1 interacting nuclear factor 2; minus strand). Cytogenetic location: 14q12.
Variant type: single nucleotide variant.
Coding change: c.1307C>T on transcript NM_001099274.3 (MANE Select); coding-DNA position 1307, C replaced by T.
Protein change: p.Ala436Val; replaces alanine 436 with valine.
Molecular consequence: missense variant. On other transcripts: 3 prime UTR variant (1).
Genome position (GRCh38, 1-based): chr14:24,239,846, G>A on the plus strand (C>T on the coding strand, the complement: TINF2 is on the minus strand). VCF-style: chr14-24239846-G-A. GRCh37 (hg19) VCF-style: chr14-24709052-G-A.
Other names: c.1202C>T, p.Ala401Val (NM_001363668.2); c.*569C>T (NM_012461.3); short protein forms A401V, A436V.
Identifiers: ClinVar variation 662182 (VCV000662182.15), dbSNP rs369249473, ClinGen allele CA7130412.